The following is an entry in ClinVar:

ClinVar aggregate classification (germline): Uncertain significance (1 of 4 stars; one submission).

Allele frequency attached by ClinVar (database versions not stated): gnomAD exomes below 0.00001.
gnomAD v4.1: 2 of 1,609,164 alleles (0.00012%); highest among the groups gnomAD compares: African/African-American, 0.0013%; no homozygotes.

Submission:

Labcorp Genetics (formerly Invitae), Labcorp
Classification: Uncertain significance. Last evaluated: 2023-03-01. Review status: criteria provided, single submitter. Criteria: Invitae Variant Classification Sherloc (09022015). Collection method: clinical testing. Allele origin: germline.
Comment: In summary, the available evidence is currently insufficient to determine the role of this variant in disease. Therefore, it has been classified as a Variant of Uncertain Significance. This sequence change replaces leucine, which is neutral and non-polar, with phenylalanine, which is neutral and non-polar, at codon 270 of the SLC12A6 protein (p.Leu270Phe). This variant is present in population databases (no rsID available, gnomAD 0.003%). This variant has not been reported in the literature in individuals affected with SLC12A6-related conditions. Advanced modeling of protein sequence and biophysical properties (such as structural, functional, and spatial information, amino acid conservation, physicochemical variation, residue mobility, and thermodynamic stability) performed at Invitae indicates that this missense variant is not expected to disrupt SLC12A6 protein function.

NM_001365088.1(SLC12A6):c.808C>T (p.Leu270Phe)

Gene: SLC12A6 (solute carrier family 12 member 6; minus strand). Cytogenetic location: 15q14.
Variant type: single nucleotide variant.
Coding change: c.808C>T on transcript NM_001365088.1 (MANE Select); coding-DNA position 808, C replaced by T.
Protein change: p.Leu270Phe; replaces leucine 270 with phenylalanine.
Molecular consequence: missense variant.
Genome position (GRCh38, 1-based): chr15:34,255,330, G>A on the plus strand (C>T on the coding strand, the complement: SLC12A6 is on the minus strand). VCF-style: chr15-34255330-G-A. GRCh37 (hg19) VCF-style: chr15-34547531-G-A.
Other names: c.631C>T, p.Leu211Phe (NM_001042494.2, NM_001042495.2); c.781C>T, p.Leu261Phe (NM_001042496.2); c.763C>T, p.Leu255Phe (NM_001042497.2); c.655C>T, p.Leu219Phe (NM_005135.2); c.808C>T, p.Leu270Phe (NM_133647.2); short protein forms L211F, L261F, L219F, L270F, L255F.
Identifiers: ClinVar variation 2841827 (VCV002841827.3), dbSNP rs1195273961, ClinGen allele CA391610402.
Genomic context (GRCh38, chr15:34,255,330, plus strand): 5'-TTTCAATGGCACCAAGGATGTACATGGCTGCTGCAAATGTGGTACCAAGATAAAAGCAGA[G>A]GCCAACAGCCCCACCAAACTCTGGGCCCAGTGCCCGGGAAATCATAAAGTATGAGCCCCC-3'
Protein context (NP_001352017.1, residues 260-280): LGPEFGGAVG[Leu270Phe]CFYLGTTFAA